The following is an entry in ClinVar:

NM_001323289.2(CDKL5):c.2556G>A (p.Pro852=)

Gene: CDKL5 (cyclin dependent kinase like 5; plus strand). Cytogenetic location: Xp22.13.
Variant type: single nucleotide variant.
Coding change: c.2556G>A on transcript NM_001323289.2 (MANE Select); coding-DNA position 2556, G replaced by A.
Protein change: p.Pro852=; no amino-acid change (proline 852 retained).
Molecular consequence: synonymous variant.
Genome position (GRCh38, 1-based): chrX:18,628,430, G>A. VCF-style: chrX-18628430-G-A. GRCh37 (hg19) VCF-style: chrX-18646550-G-A.
Other names: NM_001323289.2(CDKL5):c.2556G>A; p.Pro852=; c.2556G>A, p.Pro852= (NM_001037343.2, NM_003159.3).
Identifiers: ClinVar variation 1046637 (VCV001046637.11), dbSNP rs748905018, ClinGen allele CA10360565.

ClinVar aggregate classification (germline): Likely benign. Review status: reviewed by expert panel (3 of 4 stars). 3 submissions from 3 submitters: Likely benign (1). 2 of the submissions do not count toward it. Last evaluated 2023-06-15.

Conditions:
CDKL5 disorder. Identifiers: MedGen CN296942, MONDO:0100039.
Angelman syndrome-like. Identifiers: MedGen CN128785.
Developmental and epileptic encephalopathy, 2 (DEE2). Also called: INFANTILE SPASM SYNDROME, X-LINKED 2; CDKL5 deficiency disorder. Identifiers: Orphanet 1934, Orphanet 3451, Orphanet 505652, MedGen C4750718, MONDO:0010396, OMIM 300672.

Allele frequency attached by ClinVar (database versions not stated): ExAC 0.00001; gnomAD exomes 0.00001.
gnomAD v4.1: 12 of 1,211,289 alleles (0.00099%); highest among the groups gnomAD compares: Middle Eastern, 0.046%; no homozygotes.

Submissions (3):

ClinGen Rett and Angelman-like Disorders Variant Curation Expert Panel
Classification: Likely benign for CDKL5 disorder. Last evaluated: 2023-06-15. Review status: reviewed by expert panel. Criteria: ClinGen RettAS ACMG Specifications CDKL5 V3.0.0. Collection method: curation. Allele origin: germline. Inheritance: X-linked inheritance.
Comment: The c.2556G>A p.Pro852= variant in CDKL5 (NM_001323289.2) is present in 2 female individuals in gnomAD (0.0072%) (not sufficient to meet BS1 criteria). The silent p.Pro852= variant is not predicted to affect splicing using multiple computational tools and does not affect a highly conserved nucleotide (BP4, BP7). In summary, the p.Pro852= variant in CDKL5 is classified as Likely Benign based on the ACMG/AMP criteria (BP4, BP7).

Labcorp Genetics (formerly Invitae), Labcorp
Classification: Likely benign for Developmental and epileptic encephalopathy, 2; Angelman syndrome-like. Last evaluated: 2024-04-05. Review status: criteria provided, single submitter. Criteria: Invitae Variant Classification Sherloc (09022015). Collection method: clinical testing. Allele origin: germline. Not counted in ClinVar's aggregate classification.

GeneDx
Classification: Likely benign. Last evaluated: 2020-06-29. Review status: criteria provided, single submitter. Criteria: GeneDx Variant Classification Process June 2021. Collection method: clinical testing. Allele origin: germline. Affected: yes. Not counted in ClinVar's aggregate classification.